The following is an entry in ClinVar:

NM_014974.3(DIP2C):c.3788G>C (p.Cys1263Ser)

Gene: DIP2C (DIP2 acetate--CoA ligase C (putative); minus strand). Cytogenetic location: 10p15.3.
Variant type: single nucleotide variant.
Coding change: c.3788G>C on transcript NM_014974.3 (MANE Select); coding-DNA position 3788, G replaced by C.
Protein change: p.Cys1263Ser; replaces cysteine 1263 with serine.
Molecular consequence: missense variant.
Genome position (GRCh38, 1-based): chr10:327,142, C>G on the plus strand (G>C on the coding strand, the complement: DIP2C is on the minus strand). VCF-style: chr10-327142-C-G. GRCh37 (hg19) VCF-style: chr10-373082-C-G.
Other names: short protein forms C1263S.
Identifiers: ClinVar variation 3082455 (VCV003082455.3), dbSNP rs367775821, ClinGen allele CA5379788.

ClinVar aggregate classification (germline): Uncertain significance. Review status: criteria provided, multiple submitters, no conflicts (2 of 4 stars). 2 submissions from 2 submitters: Uncertain significance (2). Last evaluated 2024-08-08.

Conditions:
Inborn genetic diseases. Identifiers: MedGen C0950123, MeSH D030342.

Allele frequency attached by ClinVar (database versions not stated): ExAC 0.00002; gnomAD 0.00003; gnomAD exomes 0.00003; TOPMed 0.00003; ESP Exome Variant Server 0.00008.
gnomAD v4.1: 45 of 1,614,012 alleles (0.0028%); highest among the groups gnomAD compares: Non-Finnish European, 0.0037%; no homozygotes.

Submissions (2):

Labcorp Genetics (formerly Invitae), Labcorp
Classification: Uncertain significance. Last evaluated: 2024-08-08. Review status: criteria provided, single submitter. Criteria: Invitae Variant Classification Sherloc (09022015). Collection method: clinical testing. Allele origin: germline.
Comment: This sequence change replaces cysteine, which is neutral and slightly polar, with serine, which is neutral and polar, at codon 1263 of the DIP2C protein (p.Cys1263Ser). This variant is present in population databases (rs367775821, gnomAD 0.003%). This variant has not been reported in the literature in individuals affected with DIP2C-related conditions. An algorithm developed to predict the effect of missense changes on protein structure and function (PolyPhen-2) suggests that this variant is likely to be disruptive. In summary, the available evidence is currently insufficient to determine the role of this variant in disease. Therefore, it has been classified as a Variant of Uncertain Significance.

Ambry Genetics
Classification: Uncertain significance for Inborn genetic diseases. Last evaluated: 2023-11-28. Review status: criteria provided, single submitter. Criteria: Ambry Variant Classification Scheme 2023. Collection method: clinical testing. Allele origin: germline.